The following is an entry in ClinVar:

ClinVar aggregate classification (germline): Uncertain significance (1 of 4 stars; one submission).

Submission:

Labcorp Genetics (formerly Invitae), Labcorp
Classification: Uncertain significance. Last evaluated: 2022-10-29. Review status: criteria provided, single submitter. Criteria: Invitae Variant Classification Sherloc (09022015). Collection method: clinical testing. Allele origin: germline.
Comment: In summary, the available evidence is currently insufficient to determine the role of this variant in disease. Therefore, it has been classified as a Variant of Uncertain Significance. Algorithms developed to predict the effect of missense changes on protein structure and function (SIFT, PolyPhen-2, Align-GVGD) all suggest that this variant is likely to be disruptive. This variant has not been reported in the literature in individuals affected with RELB-related conditions. This variant is not present in population databases (gnomAD no frequency). This sequence change replaces cysteine, which is neutral and slightly polar, with arginine, which is basic and polar, at codon 229 of the RELB protein (p.Cys229Arg).

NM_006509.4(RELB):c.685T>C (p.Cys229Arg)

Gene: RELB (RELB proto-oncogene, NF-kB subunit; plus strand). Cytogenetic location: 19q13.32.
Variant type: single nucleotide variant.
Coding change: c.685T>C on transcript NM_006509.4 (MANE Select); coding-DNA position 685, T replaced by C.
Protein change: p.Cys229Arg; replaces cysteine 229 with arginine.
Molecular consequence: missense variant.
Genome position (GRCh38, 1-based): chr19:45,025,351, T>C. VCF-style: chr19-45025351-T-C. GRCh37 (hg19) VCF-style: chr19-45528609-T-C.
Other names: c.676T>C, p.Cys226Arg (NM_001411087.1); short protein forms C226R, C229R.
Identifiers: ClinVar variation 2810539 (VCV002810539.3), dbSNP rs2513651098, ClinGen allele CA406298995.
Genomic context (GRCh38, chr19:45,025,351, plus strand): 5'-TCACGAGCACTCCTCTCCCTCCCCCGTCACCCCCTCAGTTTTAACAACCTGGGCATCCAG[T>C]GTGTGAGGAAGAAGGAGATTGAGGCTGCCATTGAGCGGAAGATTCAACTGGGCATTGACC-3'
Protein context (NP_006500.2, residues 219-239): RHSFNNLGIQ[Cys229Arg]VRKKEIEAAI